The following is an entry in ClinVar:

ClinVar aggregate classification (germline): Uncertain significance (1 of 4 stars; one submission).

Allele frequency attached by ClinVar (database versions not stated): gnomAD exomes below 0.00001 and 0.00001.
gnomAD v4.1: 3 of 1,613,732 alleles (0.00019%); highest among the groups gnomAD compares: Admixed American, 0.0017%; no homozygotes.

Submission:

Labcorp Genetics (formerly Invitae), Labcorp
Classification: Uncertain significance. Last evaluated: 2021-03-28. Review status: criteria provided, single submitter. Criteria: Invitae Variant Classification Sherloc (09022015). Collection method: clinical testing. Allele origin: germline.
Comment: In summary, the available evidence is currently insufficient to determine the role of this variant in disease. Therefore, it has been classified as a Variant of Uncertain Significance. Algorithms developed to predict the effect of missense changes on protein structure and function (SIFT, PolyPhen-2, Align-GVGD) all suggest that this variant is likely to be tolerated, but these predictions have not been confirmed by published functional studies and their clinical significance is uncertain. This variant has not been reported in the literature in individuals with ACBD5-related conditions. This variant is not present in population databases (ExAC no frequency). This sequence change replaces aspartic acid with glutamic acid at codon 295 of the ACBD5 protein (p.Asp295Glu). The aspartic acid residue is highly conserved and there is a small physicochemical difference between aspartic acid and glutamic acid.

NM_145698.5(ACBD5):c.885T>G (p.Asp295Glu)

Gene: ACBD5 (acyl-CoA binding domain containing 5; minus strand). Cytogenetic location: 10p12.1.
Variant type: single nucleotide variant.
Coding change: c.885T>G on transcript NM_145698.5 (MANE Select); coding-DNA position 885, T replaced by G.
Protein change: p.Asp295Glu; replaces aspartic acid 295 with glutamic acid.
Molecular consequence: missense variant.
Genome position (GRCh38, 1-based): chr10:27,215,586, A>C on the plus strand (T>G on the coding strand, the complement: ACBD5 is on the minus strand). VCF-style: chr10-27215586-A-C. GRCh37 (hg19) VCF-style: chr10-27504515-A-C.
Other names: c.780T>G, p.Asp260Glu (NM_001042473.4, NM_001352577.2, NM_001352578.2 and 1 more transcripts); c.879T>G, p.Asp293Glu (NM_001271512.3); c.558T>G, p.Asp186Glu (NM_001301251.2, NM_001301252.2, NM_001301253.2 and 2 more transcripts); c.354T>G, p.Asp118Glu (NM_001301254.2); c.939T>G, p.Asp313Glu (NM_001352568.1); c.918T>G, p.Asp306Glu (NM_001352569.1); c.885T>G, p.Asp295Glu (NM_001352570.1); c.912T>G, p.Asp304Glu (NM_001352571.1); and 10 more; short protein forms D186E, D192E, D225E, D271E, D293E, D313E, D197E, D236E.
Identifiers: ClinVar variation 1520858 (VCV001520858.6), dbSNP rs956355524, ClinGen allele CA204466277.